The following is an entry in ClinVar:

NM_003128.3(SPTBN1):c.6559A>G (p.Thr2187Ala)

Genes: SPTBN1 (spectrin beta, non-erythrocytic 1; plus strand), SPTBN1-AS2 (SPTBN1 antisense RNA 2; minus strand). Cytogenetic location: 2p16.2.
Variant type: single nucleotide variant.
Coding change: c.6559A>G on transcript NM_003128.3 (MANE Select); coding-DNA position 6559, A replaced by G.
Protein change: p.Thr2187Ala; replaces threonine 2187 with alanine.
Molecular consequence: missense variant.
Genome position (GRCh38, 1-based): chr2:54,664,591, A>G. VCF-style: chr2-54664591-A-G. GRCh37 (hg19) VCF-style: chr2-54891728-A-G.
Other names: short protein forms T2187A.
Identifiers: ClinVar variation 2635604 (VCV002635604.1), dbSNP rs2549582055, ClinGen allele CA346860354.

ClinVar aggregate classification (germline): Uncertain significance (1 of 4 stars; one submission).

Conditions:
SPTBN1-related disorder. Also called: SPTBN1-related condition.

Submission:

PreventionGenetics, part of Exact Sciences
Classification: Uncertain significance for SPTBN1-related condition. Last evaluated: 2022-12-01. Review status: criteria provided, single submitter. Criteria: ACMG Guidelines, 2015. Collection method: clinical testing. Allele origin: germline.
Comment: The SPTBN1 c.6559A>G variant is predicted to result in the amino acid substitution p.Thr2187Ala. To our knowledge, this variant has not been reported in the literature or in a large population database, indicating this variant is rare. At this time, the clinical significance of this variant is uncertain due to the absence of conclusive functional and genetic evidence.